The following is an entry in ClinVar:

NC_000017.10:g.(?_41222925)_(41277500_?)dup

Gene: BRCA1 (BRCA1 DNA repair associated; minus strand). Cytogenetic location: 17q21.31.
Variant type: Duplication.
Identifiers: ClinVar variation 2425719 (VCV002425719.7).

ClinVar aggregate classification (germline): Uncertain significance (1 of 4 stars; one submission).

Conditions:
Hereditary breast ovarian cancer syndrome. Also called: Hereditary breast and ovarian cancer syndrome (HBOC); Breast and ovarian cancer; Hereditary breast and/or ovarian cancer syndrome; Hereditary breast and ovarian cancer; BRCA1- and BRCA2-Associated Hereditary Breast and Ovarian Cancer; Hereditary breast and ovarian cancer syndrome. Identifiers: Orphanet 145, MedGen C0677776, MeSH D061325, MONDO:0003582. Disease mechanism: loss of function.

Submission:

Labcorp Genetics (formerly Invitae), Labcorp
Classification: Uncertain significance for Hereditary breast ovarian cancer syndrome. Last evaluated: 2023-05-08. Review status: criteria provided, single submitter. Criteria: Invitae Variant Classification Sherloc (09022015). Collection method: clinical testing. Allele origin: germline.
Comment: This variant has not been reported in the literature in individuals affected with BRCA1-related conditions. In summary, the available evidence is currently insufficient to determine the role of this variant in disease. Therefore, it has been classified as a Variant of Uncertain Significance. Experimental studies and prediction algorithms are not available or were not evaluated, and the functional significance of this variant is currently unknown. This variant results in a copy number gain of the genomic region encompassing exon(s) 1-15 of the BRCA1 gene. This region includes the initiator codon of the gene. This copy number gain extends beyond the assayed region for this gene and therefore may encompass additional genes. As the precise location of this event is unknown, it may be in tandem or it may be located elsewhere in the genome.